The following is an entry in ClinVar:

NM_004304.5(ALK):c.347_357del (p.Ala116fs)

Gene: ALK (ALK receptor tyrosine kinase; minus strand). Cytogenetic location: 2p23.1.
Variant type: Deletion.
Coding change: c.347_357del on transcript NM_004304.5 (MANE Select); coding-DNA positions 347 to 357, 11 bases deleted (CCCCGGCAGAG).
Protein change: p.Ala116fs; shifts the reading frame from alanine 116.
Molecular consequence: frameshift variant.
Genome position (GRCh38, 1-based): chr2:29,920,303-29,920,313, CTCTGCCGGGG deleted on the plus strand (CCCCGGCAGAG on the coding strand, the reverse complement: ALK is on the minus strand); deleting any 11 consecutive bases within chr2:29,920,303-29,920,315 gives the same sequence; the c. name uses the placement nearest the transcript's 3' end. VCF-style (leftmost placement, unchanged base first): chr2-29920302-CCTCTGCCGGGG-C. GRCh37 (hg19) VCF-style: chr2-30143168-CCTCTGCCGGGG-C.
Other names: short protein forms A116fs.
Identifiers: ClinVar variation 640498 (VCV000640498.6), dbSNP rs1572503347, ClinGen allele CA915943751.
Genomic context (GRCh38, chr2:29,920,302, plus strand): 5'-GCTTGGCACGCCGGAGCTTGCGCACGGAGCCGCCCTTCAGCACCCTGGACAGCGTCCGGG[CCTCTGCCGGGG>C]CTGGTGAACCGGCGGTCCAGGAGACCCCCGGCGCCGGCCCCAGCAACCTGAGCAGCGGGG-3'

ClinVar aggregate classification (germline): Uncertain significance (1 of 4 stars; one submission).

Conditions:
Neuroblastoma, susceptibility to, 3. Also called: ALK-Related Neuroblastic Tumor Susceptibility. Identifiers: Orphanet 635, MedGen C2751681, MONDO:0013083, OMIM 613014.

Submission:

Labcorp Genetics (formerly Invitae), Labcorp
Classification: Uncertain significance for Neuroblastoma, susceptibility to, 3. Last evaluated: 2025-10-28. Review status: criteria provided, single submitter. Criteria: Invitae Variant Classification Sherloc (09022015). Collection method: clinical testing. Allele origin: germline.
Comment: This sequence change creates a premature translational stop signal (p.Ala116Glyfs*106) in the ALK gene. It is expected to result in an absent or disrupted protein product. However, the current clinical and genetic evidence is not sufficient to establish whether loss-of-function variants in ALK cause disease. This variant is not present in population databases (gnomAD no frequency). This variant has not been reported in the literature in individuals affected with ALK-related conditions. ClinVar contains an entry for this variant (Variation ID: 640498). In summary, the available evidence is currently insufficient to determine the role of this variant in disease. Therefore, it has been classified as a Variant of Uncertain Significance.